The following is an entry in ClinVar:

NM_001267550.2(TTN):c.7663G>A (p.Glu2555Lys)

Gene: TTN (titin; minus strand). Cytogenetic location: 2q31.2.
Variant type: single nucleotide variant.
Coding change: c.7663G>A on transcript NM_001267550.2 (MANE Select); coding-DNA position 7663, G replaced by A.
Protein change: p.Glu2555Lys; replaces glutamic acid 2555 with lysine.
Molecular consequence: missense variant.
Genome position (GRCh38, 1-based): chr2:178,773,301, C>T on the plus strand (G>A on the coding strand, the complement: TTN is on the minus strand). VCF-style: chr2-178773301-C-T. GRCh37 (hg19) VCF-style: chr2-179638028-C-T.
Other names: c.7663G>A, p.Glu2555Lys (NM_001256850.1, NM_133378.4, NM_133379.5); c.7525G>A, p.Glu2509Lys (NM_003319.4, NM_133432.3, NM_133437.4); short protein forms E2509K, E2555K.
Identifiers: ClinVar variation 3600388 (VCV003600388.1).

ClinVar aggregate classification (germline): Uncertain significance (1 of 4 stars; one submission).

Conditions:
Dilated cardiomyopathy 1G (CMD1G). Identifiers: Orphanet 154, MedGen C1858763, MONDO:0011400, OMIM 604145.

gnomAD v4.1: 1 of 1,613,932 alleles (0.000062%); highest among the groups gnomAD compares: Non-Finnish European, 0.000085%; no homozygotes.

Submission:

Clinical Genomics Laboratory, Washington University in St. Louis
Classification: Uncertain significance for Dilated cardiomyopathy 1G. Last evaluated: 2024-12-11. Review status: criteria provided, single submitter. Criteria: ACMG Guidelines, 2015. Collection method: clinical testing. Allele origin: germline.
Comment: The TTN c.7663G>A (p.Glu2555Lys) variant, to our knowledge, has not been reported in the medical literature. This variant is absent from the general population (gnomAD v.2.1.1), indicating it is not a common variant. This variant resides within the I-band of titin, which is defined as a domain that provides elastic properties to the protein (Jolfayi AG et al., PMID: 38438525). Computational predictors are uncertain as to the impact of this variant on TTN function. Due to limited information, and based on ACMG/AMP guidelines for variant interpretation (Richards S et al., PMID: 25741868), the clinical significance of this variant is uncertain at this time.